The following is an entry in ClinVar:

NM_014112.5(TRPS1):c.592A>G (p.Lys198Glu)

Gene: TRPS1 (transcriptional repressor GATA binding 1; minus strand). Cytogenetic location: 8q23.3.
Variant type: single nucleotide variant.
Coding change: c.592A>G on transcript NM_014112.5 (MANE Select); coding-DNA position 592, A replaced by G.
Protein change: p.Lys198Glu; replaces lysine 198 with glutamic acid.
Molecular consequence: missense variant.
Genome position (GRCh38, 1-based): chr8:115,619,506, T>C on the plus strand (A>G on the coding strand, the complement: TRPS1 is on the minus strand). VCF-style: chr8-115619506-T-C. GRCh37 (hg19) VCF-style: chr8-116631733-T-C.
Other names: c.565A>G, p.Lys189Glu (NM_001282902.3); c.571A>G, p.Lys191Glu (NM_001282903.3); c.553A>G, p.Lys185Glu (NM_001330599.2); short protein forms K185E, K189E, K191E, K198E.
Identifiers: ClinVar variation 3761541 (VCV003761541.2).

ClinVar aggregate classification (germline): Uncertain significance (1 of 4 stars; one submission).

Conditions:
Trichorhinophalangeal dysplasia type I (TRPS1). Also called: TRICHORHINOPHALANGEAL SYNDROME, TYPE I; TRPS I. Identifiers: Orphanet 77258, MedGen C0432233, MONDO:0008596, OMIM 190350.
Trichorhinophalangeal syndrome, type III (TRPS3). Also called: SUGIO-KAJII SYNDROME. Identifiers: Orphanet 77258, MedGen C1860823, OMIM 190351, MONDO:0008597.

gnomAD v4.1: 9 of 1,614,098 alleles (0.00056%); highest among the groups gnomAD compares: African/African-American, 0.004%; no homozygotes.

Submission:

Labcorp Genetics (formerly Invitae), Labcorp
Classification: Uncertain significance for Trichorhinophalangeal syndrome, type III; Trichorhinophalangeal dysplasia type I. Last evaluated: 2024-08-06. Review status: criteria provided, single submitter. Criteria: Invitae Variant Classification Sherloc (09022015). Collection method: clinical testing. Allele origin: germline.
Comment: This sequence change replaces lysine, which is basic and polar, with glutamic acid, which is acidic and polar, at codon 198 of the TRPS1 protein (p.Lys198Glu). This variant is present in population databases (rs754340524, gnomAD 0.003%). This variant has not been reported in the literature in individuals affected with TRPS1-related conditions. Advanced modeling of protein sequence and biophysical properties (such as structural, functional, and spatial information, amino acid conservation, physicochemical variation, residue mobility, and thermodynamic stability) performed at Invitae indicates that this missense variant is not expected to disrupt TRPS1 protein function with a negative predictive value of 80%. In summary, the available evidence is currently insufficient to determine the role of this variant in disease. Therefore, it has been classified as a Variant of Uncertain Significance.